The following is an entry in ClinVar:

NM_207034.3(EDN3):c.589-10C>T

Gene: EDN3 (endothelin 3; plus strand). Cytogenetic location: 20q13.32.
Variant type: single nucleotide variant.
Coding change: c.589-10C>T on transcript NM_207034.3 (MANE Select); 10 bases into the intron before coding-DNA position 589, C replaced by T.
Molecular consequence: intron variant.
Genome position (GRCh38, 1-based): chr20:59,324,321, C>T. VCF-style: chr20-59324321-C-T. GRCh37 (hg19) VCF-style: chr20-57899376-C-T.
Other names: c.624-10C>T (NM_207032.3); c.589-6C>T (NM_001302455.2); c.543-6C>T (NM_207033.3, NM_207033.2); c.543-10C>T (NM_001302456.2).
Identifiers: ClinVar variation 1335463 (VCV001335463.40), dbSNP rs199781865, ClinGen allele CA9930453.

ClinVar aggregate classification (germline): Likely benign. Review status: criteria provided, multiple submitters, no conflicts (2 of 4 stars). 3 submissions from 3 submitters: Likely benign (2). 1 of the submissions does not count toward it. Last evaluated 2024-10-26.

Conditions:
EDN3-related disorder. Also called: EDN3-related condition.

Allele frequency attached by ClinVar (database versions not stated): TOPMed 0.00002; gnomAD exomes 0.00004 and 0.00005; gnomAD 0.00005; ExAC 0.00007; ESP Exome Variant Server 0.00015.
gnomAD v4.1: 66 of 1,613,968 alleles (0.0041%); highest among the groups gnomAD compares: Non-Finnish European, 0.0053%; no homozygotes.

Submissions (3):

Labcorp Genetics (formerly Invitae), Labcorp
Classification: Likely benign. Last evaluated: 2024-10-26. Review status: criteria provided, single submitter. Criteria: Invitae Variant Classification Sherloc (09022015). Collection method: clinical testing. Allele origin: germline.

CeGaT Center for Human Genetics Tuebingen
Classification: Likely benign. Last evaluated: 2021-11-01. Review status: criteria provided, single submitter. Criteria: CeGaT Center For Human Genetics Tuebingen Variant Classification Criteria Version 2. Collection method: clinical testing. Allele origin: germline. Affected: yes. Observed: 1 variant allele.

PreventionGenetics, part of Exact Sciences
Classification: Likely benign for EDN3-related condition. Last evaluated: 2021-05-12. Review status: no assertion criteria provided. Collection method: clinical testing. Allele origin: germline. Not counted in ClinVar's aggregate classification.
Comment: This variant is classified as likely benign based on ACMG/AMP sequence variant interpretation guidelines (Richards et al. 2015 PMID: 25741868, with internal and published modifications).